The following is an entry in ClinVar:

NM_000277.3(PAH):c.350C>T (p.Thr117Ile)

Gene: PAH (phenylalanine hydroxylase; minus strand). Cytogenetic location: 12q23.2.
Variant type: single nucleotide variant.
Coding change: c.350C>T on transcript NM_000277.3 (MANE Select); coding-DNA position 350, C replaced by T.
Protein change: p.Thr117Ile; replaces threonine 117 with isoleucine.
Molecular consequence: missense variant.
Genome position (GRCh38, 1-based): chr12:102,894,737, G>A on the plus strand (C>T on the coding strand, the complement: PAH is on the minus strand). VCF-style: chr12-102894737-G-A. GRCh37 (hg19) VCF-style: chr12-103288515-G-A.
Other names: NM_000277.2(PAH):c.350C>T; c.350C>T, p.Thr117Ile (NM_001354304.2); short protein forms T117I.
Identifiers: ClinVar variation 120273 (VCV000120273.10), dbSNP rs281865439, ClinGen allele CA267651.
Genomic context (GRCh38, chr12:102,894,737, plus strand): 5'-GTTATTTTATGAAGACAGTGTGGAGTTACTTATGTTGCAAAATTCCTCTAATTCTTACCT[G>A]TGTCTTTCTTCTTATCTCGTGAAAGCTCATGGACAGTGGCACCAATGTCATGCCTCAAGA-3'
Protein context (NP_000268.1, residues 107-127): HELSRDKKKD[Thr117Ile]VPWFPRTIQE

ClinVar aggregate classification (germline): Uncertain significance. Review status: reviewed by expert panel (3 of 4 stars). 6 submissions from 6 submitters: Uncertain significance (1). 5 of the submissions do not count toward it. Last evaluated 2018-09-28.

Conditions:
Phenylketonuria (PKU). Also called: FOLLING DISEASE; OLIGOPHRENIA PHENYLPYRUVICA; Phenylketonurias; Phenylketonuria (PKU). Identifiers: Orphanet 716, MedGen C0031485, MONDO:0009861, OMIM 261600. Disease mechanism: loss of function.

Allele frequency attached by ClinVar (database versions not stated): gnomAD exomes 0.00002; gnomAD 0.00005; ExAC 0.00001; TOPMed 0.00006.
gnomAD v4.1: 40 of 1,613,284 alleles (0.0025%); highest among the groups gnomAD compares: Admixed American, 0.017%; no homozygotes.

Submissions (6):

ClinGen PAH Variant Curation Expert Panel
Classification: Uncertain significance for Phenylketonuria. Last evaluated: 2018-09-28. Review status: reviewed by expert panel. Criteria: ClinGen PAH ACMG Specifications v1. Collection method: curation. Allele origin: germline. Inheritance: Autosomal recessive inheritance.
Comment: PAH-specific ACMG/AMP criteria applied: PM2: Extremely low frequency in ExAC& gnomAD (MAF 0.00018). Absent from 1000G, ESP. In summary this variant meets criteria to be classified as uncertain significance for phenylketonuria in an autosomal recessive manner based on the ACMG/AMP criteria applied as specified by the PAH Expert Panel: (PM2).

Labcorp Genetics (formerly Invitae), Labcorp
Classification: Uncertain significance for Phenylketonuria. Last evaluated: 2022-08-07. Review status: criteria provided, single submitter. Criteria: Invitae Variant Classification Sherloc (09022015). Collection method: clinical testing. Allele origin: germline. Not counted in ClinVar's aggregate classification.
Comment: This sequence change replaces threonine, which is neutral and polar, with isoleucine, which is neutral and non-polar, at codon 117 of the PAH protein (p.Thr117Ile). This variant is present in population databases (rs281865439, gnomAD 0.009%). This missense change has been observed in individual(s) with phenylketonuria (PMID: 32668217). ClinVar contains an entry for this variant (Variation ID: 120273). Algorithms developed to predict the effect of missense changes on protein structure and function are either unavailable or do not agree on the potential impact of this missense change (SIFT: "Not Available"; PolyPhen-2: "Benign"; Align-GVGD: "Not Available"). In summary, the available evidence is currently insufficient to determine the role of this variant in disease. Therefore, it has been classified as a Variant of Uncertain Significance.

3billion
Classification: Uncertain significance for Phenylketonuria. Last evaluated: 2022-05-22. Review status: criteria provided, single submitter. Criteria: ACMG Guidelines, 2015. Collection method: clinical testing. Allele origin: germline. Affected: yes. Observed: 1 heterozygote. Not counted in ClinVar's aggregate classification.
Comment: The variant is observed at an extremely low frequency in the gnomAD v2.1.1 dataset (total allele frequency: 0.002%). Missense changes are a common disease-causing mechanism. In silico tool predictions suggest damaging effect of the variant on gene or gene product (REVEL: 0.48; 3Cnet: 0.94). Same nucleotide change resulting in same amino acid change has been previously reported to be associated with PAH related disorder (PMID: 32668217). However, the evidence of pathogenicity is insufficient at this time. Therefore, this variant is classified as uncertain significanceaccording to the recommendation of ACMG/AMP guideline.

Illumina Laboratory Services, Illumina
Classification: Uncertain significance for Phenylketonuria. Last evaluated: 2018-01-12. Review status: criteria provided, single submitter. Criteria: ICSL Variant Classification Criteria 13 December 2019. Collection method: clinical testing. Allele origin: germline. Not counted in ClinVar's aggregate classification.

Kariminejad - Najmabadi Pathology & Genetics Center
Classification: Likely pathogenic for Phenylketonuria. Review status: criteria provided, single submitter. Criteria: ACMG Guidelines, 2015. Collection method: clinical testing. Allele origin: germline. Affected: no. Not counted in ClinVar's aggregate classification.

Inserm U 954, Faculté de Médecine de Nancy
Classification: Likely pathogenic for Phenylketonuria. Review status: no assertion criteria provided. Collection method: not provided. Allele origin: unknown. Not counted in ClinVar's aggregate classification.
ClinVar note: Converted during submission from probable-pathogenic to Likely pathogenic.

Literature cited by the submitters: PubMed 32668217 (cited by Labcorp Genetics (formerly Invitae), Labcorp and 3billion).